The following is an entry in ClinVar:

ClinVar aggregate classification (germline): Uncertain significance (1 of 4 stars; one submission).

gnomAD v4.1: 12 of 1,599,008 alleles (0.00075%); highest among the groups gnomAD compares: South Asian, 0.0044%; no homozygotes.

Submissions (2):

Ambry Genetics
Classification: Uncertain significance. Last evaluated: 2026-08-05. Review status: criteria provided, single submitter. Criteria: Ambry Variant Classification Scheme 2023. Collection method: clinical testing. Allele origin: germline.
Comment: The c.104C>T (p.A35V) alteration is located in exon 3 (coding exon 1) of the EEF1D gene. This alteration results from a C to T substitution at nucleotide position 104, causing the alanine (A) at amino acid position 35 to be replaced by a valine (V). Based on data from gnomAD, the T allele has an overall frequency of 0.001% (3/265450) total alleles studied. The highest observed frequency was 0.007% (2/30496) of South Asian alleles. Based on insufficient or conflicting evidence, the clinical significance of this alteration remains unclear.

Dr. Peter K. Rogan Lab, Western University
No classification provided (evidence only). Condition: Familial prostate cancer. Review status: no classification provided. Collection method: in vitro. Allele origin: not applicable. Functional consequence: skipped exon. Not counted in ClinVar's aggregate classification.

NM_001130053.5(EEF1D):c.104C>T (p.Ala35Val)

Gene: EEF1D (eukaryotic translation elongation factor 1 delta; minus strand). Cytogenetic location: 8q24.3.
Variant type: single nucleotide variant.
Coding change: c.104C>T on transcript NM_001130053.5 (MANE Select); coding-DNA position 104, C replaced by T.
Protein change: p.Ala35Val; replaces alanine 35 with valine.
Molecular consequence: missense variant. On other transcripts: intron variant (8).
Genome position (GRCh38, 1-based): chr8:143,589,978, G>A on the plus strand (C>T on the coding strand, the complement: EEF1D is on the minus strand). VCF-style: chr8-143589978-G-A. GRCh37 (hg19) VCF-style: chr8-144672148-G-A.
Other names: NC_000008.10:g.144672148G>A; c.104C>T, p.Ala35Val (NM_032378.7); c.-4-3129C>T (NM_001317743.4, NM_001289950.4, NM_001130055.4); c.-7-3126C>T (NM_001130056.5, NM_001195203.4, NM_001960.7 and 2 more transcripts); c.104C>T (NM_032378.4); short protein forms A35V.
Identifiers: ClinVar variation 4344276 (VCV004344276.2).